The following is an entry in ClinVar:

NM_001042492.3(NF1):c.6420T>C (p.His2140=)

Gene: NF1 (neurofibromin 1; plus strand). Cytogenetic location: 17q11.2.
Variant type: single nucleotide variant.
Coding change: c.6420T>C on transcript NM_001042492.3 (MANE Select); coding-DNA position 6420, T replaced by C.
Protein change: p.His2140=; no amino-acid change (histidine 2140 retained).
Molecular consequence: synonymous variant.
Genome position (GRCh38, 1-based): chr17:31,336,907, T>C. VCF-style: chr17-31336907-T-C. GRCh37 (hg19) VCF-style: chr17-29663925-T-C.
Other names: c.6357T>C, p.His2119= (NM_000267.4).
Identifiers: ClinVar variation 527626 (VCV000527626.15), dbSNP rs762803346, ClinGen allele CA8487341.

ClinVar aggregate classification (germline): Benign/Likely benign. Review status: criteria provided, multiple submitters, no conflicts (2 of 4 stars). 4 submissions from 4 submitters: Benign (1); Likely benign (3). Last evaluated 2026-05-21.

Conditions:
Hereditary cancer-predisposing syndrome. Also called: Neoplastic Syndromes, Hereditary; Hereditary Cancer Syndrome; Hereditary neoplastic syndrome; Tumor predisposition. Identifiers: Orphanet 140162, MedGen C0027672, MeSH D009386, MONDO:0015356.
Cardiovascular phenotype. Identifiers: MedGen CN230736.
Neurofibromatosis, type 1 (NF1). Also called: Neurofibromatosis, type I; NEUROFIBROMATOSIS, TYPE I, SOMATIC; Peripheral type neurofibromatosis; VON RECKLINGHAUSEN DISEASE. Identifiers: Orphanet 636, MedGen C0027831, MONDO:0018975, OMIM 162200. Disease mechanism: loss of function.

Allele frequency attached by ClinVar (database versions not stated): gnomAD 0.00001; gnomAD exomes 0.00001; ExAC 0.00002.
gnomAD v4.1: 5 of 1,609,934 alleles (0.00031%); highest among the groups gnomAD compares: South Asian, 0.0033%; no homozygotes.

Submissions (4):

Myriad Genetics, Inc.
Classification: Benign for Neurofibromatosis, type 1. Last evaluated: 2026-05-21. Review status: criteria provided, single submitter. Criteria: Myriad Autosomal Dominant, Autosomal Recessive and X-Linked Classification Criteria (2023). Collection method: clinical testing. Allele origin: unknown.
Comment: This variant is considered benign. This variant is a silent/synonymous amino acid change and it is not expected to impact splicing.

Labcorp Genetics (formerly Invitae), Labcorp
Classification: Likely benign for Neurofibromatosis, type 1. Last evaluated: 2025-12-22. Review status: criteria provided, single submitter. Criteria: Invitae Variant Classification Sherloc (09022015). Collection method: clinical testing. Allele origin: germline.

Genome-Nilou Lab
Classification: Likely benign for Neurofibromatosis, type 1. Last evaluated: 2022-03-15. Review status: criteria provided, single submitter. Criteria: ACMG Guidelines, 2015. Collection method: clinical testing. Allele origin: germline. Affected: no.

Ambry Genetics
Classification: Likely benign for Cardiovascular phenotype; Hereditary cancer-predisposing syndrome. Last evaluated: 2018-08-20. Review status: criteria provided, single submitter. Criteria: Ambry General Variant Classification Scheme_2022. Collection method: clinical testing. Allele origin: germline. Observed: 1 variant allele.